The following is an entry in ClinVar:

NM_002382.5(MAX):c.138G>C (p.Leu46Phe)

Genes: MAX (MYC associated transcriptional regulator X; minus strand), MAX-AS1 (MAX antisense RNA 1; plus strand). Cytogenetic location: 14q23.3.
Variant type: single nucleotide variant.
Coding change: c.138G>C on transcript NM_002382.5 (MANE Select); coding-DNA position 138, G replaced by C.
Protein change: p.Leu46Phe; replaces leucine 46 with phenylalanine.
Molecular consequence: missense variant. On other transcripts: non-coding transcript variant (1), 5 prime UTR variant (1).
Genome position (GRCh38, 1-based): chr14:65,093,741, C>G on the plus strand (G>C on the coding strand, the complement: MAX is on the minus strand). VCF-style: chr14-65093741-C-G. GRCh37 (hg19) VCF-style: chr14-65560459-C-G.
Other names: c.111G>C, p.Leu37Phe (NM_001271068.2, NM_001271069.2, NM_001407095.1 and 9 more transcripts); c.-137G>C (NM_001320415.2, NM_001407105.1, NM_001407106.1 and 1 more transcripts); c.138G>C, p.Leu46Phe (NM_001407094.1, NM_001407096.1, NM_001407097.1 and 5 more transcripts); c.-230G>C (NM_001407111.1, NM_001407112.1); c.161G>C, p.Cys54Ser (NM_001407114.1); short protein forms L37F, L46F, C54S.
Identifiers: ClinVar variation 654688 (VCV000654688.9), dbSNP rs1595166865, ClinGen allele CA390037665.

ClinVar aggregate classification (germline): Uncertain significance (1 of 4 stars; one submission).

Conditions:
Hereditary pheochromocytoma and paraganglioma. Also called: Hereditary paragangliomas and pheochromocytomas; Hereditary pheochromocytoma-paraganglioma; Hereditary Paraganglioma-Pheochromocytoma Syndromes. Identifiers: Orphanet 29072, MedGen C4274332, MONDO:0017366.

Submission:

Labcorp Genetics (formerly Invitae), Labcorp
Classification: Uncertain significance for Hereditary pheochromocytoma and paraganglioma. Last evaluated: 2018-09-25. Review status: criteria provided, single submitter. Criteria: Invitae Variant Classification Sherloc (09022015). Collection method: clinical testing. Allele origin: germline.
Comment: In summary, the available evidence is currently insufficient to determine the role of this variant in disease. Therefore, it has been classified as a Variant of Uncertain Significance. Algorithms developed to predict the effect of missense changes on protein structure and function are either unavailable or do not agree on the potential impact of this missense change (SIFT: "Deleterious"; PolyPhen-2: "Probably Damaging"; Align-GVGD: "Class C15"). This variant has not been reported in the literature in individuals with MAX-related disease. This variant is not present in population databases (ExAC no frequency). This sequence change replaces leucine with phenylalanine at codon 46 of the MAX protein (p.Leu46Phe). The leucine residue is highly conserved and there is a small physicochemical difference between leucine and phenylalanine.